The following is an entry in ClinVar:

NM_001079872.2(CUL4B):c.-6A>G

Genes: CUL4B (cullin 4B; minus strand), LOC113845788 (Sharpr-MPRA regulatory region 11856; plus strand). Cytogenetic location: Xq24.
Variant type: single nucleotide variant.
Coding change: c.-6A>G on transcript NM_001079872.2 (MANE Select); 6 bases upstream of the start codon, A replaced by G.
Molecular consequence: 5 prime UTR variant. On other transcripts: intron variant (2).
Genome position (GRCh38, 1-based): chrX:120,560,644, T>C on the plus strand (A>G on the coding strand, the complement: CUL4B is on the minus strand). VCF-style: chrX-120560644-T-C. GRCh37 (hg19) VCF-style: chrX-119694499-T-C.
Other names: c.68-19A>G (NM_003588.4); c.29-19A>G (NM_001330624.2).
Identifiers: ClinVar variation 4997082 (VCV004997082.1).

ClinVar aggregate classification (germline): Likely benign (1 of 4 stars; one submission).

Conditions:
CUL4B-related disorder. Also called: CUL4B-related condition.

gnomAD v4.1: 2 of 1,196,583 alleles (0.00017%); highest among the groups gnomAD compares: African/African-American, 0.0018%; no homozygotes.

Submission:

PreventionGenetics, part of Exact Sciences
Classification: Likely benign for CUL4B-related condition. Last evaluated: 2025-04-24. Review status: criteria provided, single submitter. Criteria: ACMG Guidelines, 2015. Collection method: clinical testing. Allele origin: germline.
Comment: This variant is classified as likely benign based on ACMG/AMP sequence variant interpretation guidelines (Richards et al. 2015 PMID: 25741868, with internal and published modifications).